The following is an entry in ClinVar:

NM_000260.4(MYO7A):c.5106G>A (p.Thr1702=)

Gene: MYO7A (myosin VIIA; plus strand). Cytogenetic location: 11q13.5.
Variant type: single nucleotide variant.
Coding change: c.5106G>A on transcript NM_000260.4 (MANE Select); coding-DNA position 5106, G replaced by A.
Protein change: p.Thr1702=; no amino-acid change (threonine 1702 retained).
Molecular consequence: synonymous variant.
Genome position (GRCh38, 1-based): chr11:77,202,362, G>A. VCF-style: chr11-77202362-G-A. GRCh37 (hg19) VCF-style: chr11-76913407-G-A.
Other names: c.4992G>A, p.Thr1664= (NM_001127180.2); c.4959G>A, p.Thr1653= (NM_001369365.1).
Identifiers: ClinVar variation 1092802 (VCV001092802.11), dbSNP rs773872608, ClinGen allele CA6198623.

ClinVar aggregate classification (germline): Likely benign. Review status: criteria provided, multiple submitters, no conflicts (2 of 4 stars). 2 submissions from 2 submitters: Likely benign (2). Last evaluated 2026-06-01.

Allele frequency attached by ClinVar (database versions not stated): TOPMed 0.00001; gnomAD 0.00003.
gnomAD v4.1: 48 of 1,566,142 alleles (0.0031%); highest among the groups gnomAD compares: Middle Eastern, 0.017%; no homozygotes.

Submissions (2):

CeGaT Center for Human Genetics Tuebingen
Classification: Likely benign. Last evaluated: 2026-06-01. Review status: criteria provided, single submitter. Criteria: CeGaT Center For Human Genetics Tuebingen Variant Classification Criteria Version 2. Collection method: clinical testing. Allele origin: germline. Affected: yes. Observed: 1 variant allele.
Comment: MYO7A: BP4, BP7

Labcorp Genetics (formerly Invitae), Labcorp
Classification: Likely benign. Last evaluated: 2025-03-04. Review status: criteria provided, single submitter. Criteria: Invitae Variant Classification Sherloc (09022015). Collection method: clinical testing. Allele origin: germline.